The following is an entry in ClinVar:

ClinVar aggregate classification (germline): Uncertain significance (1 of 4 stars; one submission).

Submission:

GeneDx
Classification: Uncertain significance. Last evaluated: 2023-11-25. Review status: criteria provided, single submitter. Criteria: GeneDx Variant Classification Process June 2021. Collection method: clinical testing. Allele origin: germline. Affected: yes.
Comment: Not observed at significant frequency in large population cohorts (gnomAD); In silico analysis supports that this missense variant does not alter protein structure/function; Has not been previously published as pathogenic or benign to our knowledge

NM_003797.5(EED):c.724G>T (p.Ala242Ser)

Gene: EED (embryonic ectoderm development; plus strand). Cytogenetic location: 11q14.2.
Variant type: single nucleotide variant.
Coding change: c.724G>T on transcript NM_003797.5 (MANE Select); coding-DNA position 724, G replaced by T.
Protein change: p.Ala242Ser; replaces alanine 242 with serine.
Molecular consequence: missense variant.
Genome position (GRCh38, 1-based): chr11:86,264,261, G>T. VCF-style: chr11-86264261-G-T. GRCh37 (hg19) VCF-style: chr11-85975303-G-T.
Other names: c.724G>T, p.Ala242Ser (NM_001308007.2, NM_001330334.2); short protein forms A242S.
Identifiers: ClinVar variation 3364572 (VCV003364572.1).